The following is an entry in ClinVar:

NM_001466.4(FZD2):c.825C>T (p.Tyr275=)

Gene: FZD2 (frizzled class receptor 2; plus strand). Cytogenetic location: 17q21.31.
Variant type: single nucleotide variant.
Coding change: c.825C>T on transcript NM_001466.4 (MANE Select); coding-DNA position 825, C replaced by T.
Protein change: p.Tyr275=; no amino-acid change (tyrosine 275 retained).
Molecular consequence: synonymous variant.
Genome position (GRCh38, 1-based): chr17:44,558,513, C>T. VCF-style: chr17-44558513-C-T. GRCh37 (hg19) VCF-style: chr17-42635881-C-T.
Identifiers: ClinVar variation 4722657 (VCV004722657.1).

ClinVar aggregate classification (germline): Uncertain significance (1 of 4 stars; one submission).

Submission:

Labcorp Genetics (formerly Invitae), Labcorp
Classification: Uncertain significance. Last evaluated: 2025-07-03. Review status: criteria provided, single submitter. Criteria: Invitae Variant Classification Sherloc (09022015). Collection method: clinical testing. Allele origin: germline.
Comment: This sequence change affects codon 275 of the FZD2 mRNA. It is a 'silent' change, meaning that it does not change the encoded amino acid sequence of the FZD2 protein. This variant is not present in population databases (gnomAD no frequency). This variant has not been reported in the literature in individuals affected with FZD2-related conditions. In summary, the available evidence is currently insufficient to determine the role of this variant in disease. Therefore, it has been classified as a Variant of Uncertain Significance.